The following is an entry in ClinVar:

ClinVar aggregate classification (germline): Pathogenic/Likely pathogenic. Review status: criteria provided, multiple submitters, no conflicts (2 of 4 stars). 7 submissions from 7 submitters: Pathogenic (5); Likely pathogenic (1). 1 of the submissions does not count toward it. Last evaluated 2026-07-27.

Conditions:
Progressive external ophthalmoplegia with mitochondrial DNA deletions, autosomal recessive 4. Also called: Adult-onset multiple mitochondrial DNA deletion syndrome due to DGUOK deficiency; PROGRESSIVE EXTERNAL OPHTHALMOPLEGIA, AUTOSOMAL RECESSIVE 4. Identifiers: Orphanet 329314, MedGen C4310733, MONDO:0014899, OMIM 617070.
Portal hypertension, noncirrhotic, 1 (NCPH1). Identifiers: MedGen CN305369, MONDO:8000013, OMIM 617068.
Mitochondrial DNA depletion syndrome 3 (hepatocerebral type). Also called: MITOCHONDRIAL DNA DEPLETION SYNDROME 3; Deoxyguanosine Kinase Deficiency; Mitochondrial DNA depletion syndrome, hepatocerebral form due to DGUOK deficiency. Identifiers: Orphanet 279934, MedGen CN074093, MONDO:0009636, OMIM 251880.
DGUOK-related disorder. Also called: DGUOK-related condition.

Allele frequency attached by ClinVar (database versions not stated): gnomAD 0.00002 and 0.00003; TOPMed 0.00002; ExAC 0.00003; gnomAD exomes 0.00003.
gnomAD v4.1: 52 of 1,613,824 alleles (0.0032%); highest among the groups gnomAD compares: Admixed American, 0.01%; no homozygotes.

Submissions (7):

PreventionGenetics, part of Exact Sciences
Classification: Likely pathogenic for DGUOK-related condition. Last evaluated: 2026-07-27. Review status: criteria provided, single submitter. Criteria: ACMG Guidelines, 2015. Collection method: clinical testing. Allele origin: germline.
Comment: The DGUOK c.749T>C variant is predicted to result in the amino acid substitution p.Leu250Ser. This variant has been reported in two publications in the homozygous state in an individual with mitochondrial DNA depletion syndrome. Clinical features of this patient included early-onset rapidly progressive and lethal liver failure associated with severe mtDNA depletion in the liver (Patient B, Wang et al. 2005. PubMed ID: 15639197; Patient 3, Villarroya et al. 2009. PubMed ID: 19265691). This variant was also reported in the compound heterozygous state in an individual with mitochondrial DNA depletion syndrome 3 (MTDPS3) and in another individual with isolated liver failure (Supplementary Table 1, P84 and P85, Bychkov et al. 2021. PubMed ID: 33486010). Functional studies showed that the p.Leu250Ser variant impacted protein function and lead to reduced deoxyguanosine kinase activity compared to wild-type (Wang et al. 2005. PubMed ID: 15639197). This variant has conflicting interpretations in ClinVar ranging from pathogenic to uncertain significance (Variant ID: 488491). Taken together, this variant is interpreted as likely pathogenic.

Women's Health and Genetics/Laboratory Corporation of America, LabCorp
Classification: Pathogenic for Mitochondrial DNA depletion syndrome 3 (hepatocerebral type). Last evaluated: 2024-07-03. Review status: criteria provided, single submitter. Criteria: LabCorp Variant Classification Summary - May 2015. Collection method: clinical testing. Allele origin: germline.
Comment: Variant summary: DGUOK c.749T>C (p.Leu250Ser) results in a non-conservative amino acid change located in the Deoxynucleoside kinase domain (IPR031314) of the encoded protein sequence. Five of five in-silico tools predict a damaging effect of the variant on protein function. The variant allele was found at a frequency of 3.2e-05 in 251466 control chromosomes. c.749T>C has been reported in the literature in multiple homozygous and compound heterozygous individuals affected with Mitochondrial DNA depletion syndrome 3 (Wang_2005, Freisinger_2006, Capalbo_2019, Bychkov_2021, Guzman_2023). These data indicate that the variant is very likely to be associated with disease. At least one publication reports experimental evidence evaluating an impact on protein function. The most pronounced variant effect results in residual activity of mutant protein compared to the wild type in an in vitro assay (Wang_2005). The following publications have been ascertained in the context of this evaluation (PMID: 33486010, 31589614, 16908739, 38027095, 15639197). ClinVar contains an entry for this variant (Variation ID: 488491). Based on the evidence outlined above, the variant was classified as pathogenic.

Labcorp Genetics (formerly Invitae), Labcorp
Classification: Pathogenic. Last evaluated: 2024-03-25. Review status: criteria provided, single submitter. Criteria: Invitae Variant Classification Sherloc (09022015). Collection method: clinical testing. Allele origin: germline.
Comment: This sequence change replaces leucine, which is neutral and non-polar, with serine, which is neutral and polar, at codon 250 of the DGUOK protein (p.Leu250Ser). This variant is present in population databases (rs749464475, gnomAD 0.009%). This missense change has been observed in individuals with mitochondrial DNA depletion syndrome (PMID: 15639197, 16263314, 16908739, 17452231). ClinVar contains an entry for this variant (Variation ID: 488491). Advanced modeling of protein sequence and biophysical properties (such as structural, functional, and spatial information, amino acid conservation, physicochemical variation, residue mobility, and thermodynamic stability) performed at Invitae indicates that this missense variant is expected to disrupt DGUOK protein function with a positive predictive value of 80%. Experimental studies have shown that this missense change affects DGUOK function (PMID: 15639197). For these reasons, this variant has been classified as Pathogenic.

GeneDx
Classification: Pathogenic. Last evaluated: 2019-05-29. Review status: criteria provided, single submitter. Criteria: GeneDx Variant Classification Process June 2021. Collection method: clinical testing. Allele origin: germline. Affected: yes.
Comment: Published functional studies demonstrate a damaging effect with less than 1% residual deoxyguanosine kinase activity compared to wild-type (Wang et al., 2005); In silico analysis, which includes protein predictors and evolutionary conservation, supports a deleterious effect; Not observed at a significant frequency in large population cohorts (Lek et al., 2016); This variant is associated with the following publications: (PMID: 31589614, 28411097, 19265691, 26342080, 15639197, 18600543, 19125351, 18205204, 24478274, 19380071, 16263314, 17452231, 16908739, 29228108, 17280874, 22602837, 19094978, 30693370)

Institute of Human Genetics Munich, TUM University Hospital
Classification: Pathogenic for Mitochondrial DNA depletion syndrome 3 (hepatocerebral type). Last evaluated: 2017-11-08. Review status: criteria provided, single submitter. Criteria: Classification criteria August 2017. Collection method: clinical testing. Allele origin: maternal. Inheritance: Autosomal recessive inheritance. Affected: yes. Observed: 1 compound heterozygote.

Juno Genomics, Hangzhou Juno Genomics, Inc
Classification: Pathogenic for Mitochondrial DNA depletion syndrome 3 (hepatocerebral type); Portal hypertension, noncirrhotic, 1; Progressive external ophthalmoplegia with mitochondrial DNA deletions, autosomal recessive 4. Review status: criteria provided, single submitter. Criteria: ACMG Guidelines, 2015. Collection method: clinical testing. Allele origin: germline.
Comment: Absent from controls (or at extremely low frequency if recessive) in Genome Aggregation Database.;Multiple lines of computational evidence support a deleterious effect on the gene or gene product.;For recessive disorders, detected in trans with a pathogenic variant.;Patient's phenotype or family history is highly specific for a disease with a single genetic etiology.

Laboratorio de Genetica e Diagnostico Molecular, Hospital Israelita Albert Einstein
Classification: Uncertain significance. Last evaluated: 2019-10-15. Review status: flagged submission. Criteria: ACMG Guidelines, 2015. Collection method: clinical testing. Allele origin: germline. Affected: yes. Not counted in ClinVar's aggregate classification.
Comment: ACMG classification criteria: PM2, PM3, PP3
ClinVar note: Reason: Outlier claim with insufficient supporting evidence

Literature cited by the submitters: PubMed 31589614 (cited by Women's Health and Genetics/Laboratory Corporation of America, LabCorp); PubMed 19265691 (cited by Women's Health and Genetics/Laboratory Corporation of America, LabCorp); PubMed 33486010 (cited by Women's Health and Genetics/Laboratory Corporation of America, LabCorp); PubMed 15639197 (cited by Women's Health and Genetics/Laboratory Corporation of America, LabCorp and Labcorp Genetics (formerly Invitae), Labcorp); PubMed 16908739 (cited by Women's Health and Genetics/Laboratory Corporation of America, LabCorp and Labcorp Genetics (formerly Invitae), Labcorp); PubMed 38027095 (cited by Women's Health and Genetics/Laboratory Corporation of America, LabCorp); PubMed 16263314 (cited by Labcorp Genetics (formerly Invitae), Labcorp); PubMed 17452231 (cited by Labcorp Genetics (formerly Invitae), Labcorp).

NM_080916.3(DGUOK):c.749T>C (p.Leu250Ser)

Genes: DGUOK (deoxyguanosine kinase; plus strand), DGUOK-AS1 (DGUOK antisense RNA 1; minus strand). Cytogenetic location: 2p13.1.
Variant type: single nucleotide variant.
Coding change: c.749T>C on transcript NM_080916.3 (MANE Select); coding-DNA position 749, T replaced by C.
Protein change: p.Leu250Ser; replaces leucine 250 with serine.
Molecular consequence: missense variant. On other transcripts: non-coding transcript variant (8).
Genome position (GRCh38, 1-based): chr2:73,958,187, T>C. VCF-style: chr2-73958187-T-C. GRCh37 (hg19) VCF-style: chr2-74185314-T-C.
Other names: c.467T>C, p.Leu156Ser (NM_001318859.2); c.458T>C, p.Leu153Ser (NM_001318860.2, NM_001318861.2); c.440T>C, p.Leu147Ser (NM_001318862.2, NM_001318863.2); c.485T>C, p.Leu162Ser (NM_080918.3); c.749T>C (NM_080916.2); short protein forms L250S, L156S, L147S, L153S, L162S.
Identifiers: ClinVar variation 488491 (VCV000488491.16), dbSNP rs749464475, ClinGen allele CA1718350.
Genomic context (GRCh38, chr2:73,958,187, plus strand): 5'-ACGTTCACGCTTCTTATAGGCTCCACTTTGAGGCTCTGATGAACATTCCAGTGCTGGTGT[T>C]GGATGTCAATGATGATTTTTCTGAGGAAGTAACCAAACAAGAAGACCTCATGAGAGAGGT-3'
Protein context (NP_550438.1, residues 240-260): EALMNIPVLV[Leu250Ser]DVNDDFSEEV